The following is an entry in ClinVar:

ClinVar aggregate classification (germline): Uncertain significance (1 of 4 stars; one submission).

Conditions:
Deafness-lymphedema-leukemia syndrome. Also called: Emberger syndrome; Lymphedema, primary, with myelodysplasia. Identifiers: Orphanet 3226, MedGen C3279664, MONDO:0013540, OMIM 614038.
Monocytopenia with susceptibility to infections. Also called: IMMUNODEFICIENCY 21; GATA2 DEFICIENCY; MONOCYTOPENIA AND MYCOBACTERIAL INFECTION SYNDROME; MONOCYTOPENIA WITH SUSCEPTIBILITY TO MYCOBACTERIAL, FUNGAL, AND PAPILLOMAVIRUS INFECTIONS AND MYELODYSPLASIA; COMBINED IMMUNODEFICIENCY WITH SUSCEPTIBILITY TO MYCOBACTERIAL, VIRAL, AND FUNGAL INFECTIONS; Dendritic cell, monocyte, B lymphocyte, and natural killer lymphocyte deficiency. Identifiers: Orphanet 228423, MedGen C3280030, MONDO:0013607, OMIM 614172.

Submission:

Labcorp Genetics (formerly Invitae), Labcorp
Classification: Uncertain significance for Monocytopenia with susceptibility to infections; Deafness-lymphedema-leukemia syndrome. Last evaluated: 2022-04-27. Review status: criteria provided, single submitter. Criteria: Invitae Variant Classification Sherloc (09022015). Collection method: clinical testing. Allele origin: germline.
Comment: In summary, the available evidence is currently insufficient to determine the role of this variant in disease. Therefore, it has been classified as a Variant of Uncertain Significance. Advanced modeling of protein sequence and biophysical properties (such as structural, functional, and spatial information, amino acid conservation, physicochemical variation, residue mobility, and thermodynamic stability) performed at Invitae indicates that this missense variant is expected to disrupt GATA2 protein function. This variant has not been reported in the literature in individuals affected with GATA2-related conditions. This variant is not present in population databases (gnomAD no frequency). This sequence change replaces proline, which is neutral and non-polar, with serine, which is neutral and polar, at codon 335 of the GATA2 protein (p.Pro335Ser).

NM_032638.5(GATA2):c.1003C>T (p.Pro335Ser)

Gene: GATA2 (GATA binding protein 2; minus strand). Cytogenetic location: 3q21.3.
Variant type: single nucleotide variant.
Coding change: c.1003C>T on transcript NM_032638.5 (MANE Select); coding-DNA position 1003, C replaced by T.
Protein change: p.Pro335Ser; replaces proline 335 with serine.
Molecular consequence: missense variant.
Genome position (GRCh38, 1-based): chr3:128,483,874, G>A on the plus strand (C>T on the coding strand, the complement: GATA2 is on the minus strand). VCF-style: chr3-128483874-G-A. GRCh37 (hg19) VCF-style: chr3-128202717-G-A.
Other names: c.1003C>T, p.Pro335Ser (NM_001145661.2, NM_001145662.1); short protein forms P335S.
Identifiers: ClinVar variation 2127899 (VCV002127899.4), dbSNP rs2472924551, ClinGen allele CA354404263.
Genomic context (GRCh38, chr3:128,483,874, plus strand): 5'-GCTCCTGCCCAGCAGCCCCCTCCCAGCCACCTGTGCCCGCTCCTACCAGTCTTCGCTTGG[G>A]CTTGATGAGTGGTCGGTTCTGCCCATTCATCTTGTGGTAGAGGCCACAGGCATTGCACAG-3'
Protein context (NP_116027.2, residues 325-345): MNGQNRPLIK[Pro335Ser]KRRLSAARRA